The following is an entry in ClinVar:

NM_015338.6(ASXL1):c.3494G>A (p.Ser1165Asn)

Gene: ASXL1 (ASXL transcriptional regulator 1; plus strand). Cytogenetic location: 20q11.21.
Variant type: single nucleotide variant.
Coding change: c.3494G>A on transcript NM_015338.6 (MANE Select); coding-DNA position 3494, G replaced by A.
Protein change: p.Ser1165Asn; replaces serine 1165 with asparagine.
Molecular consequence: missense variant.
Genome position (GRCh38, 1-based): chr20:32,436,206, G>A. VCF-style: chr20-32436206-G-A. GRCh37 (hg19) VCF-style: chr20-31024009-G-A.
Other names: c.3311G>A, p.Ser1104Asn (NM_001363734.1); short protein forms S1165N, S1104N.
Identifiers: ClinVar variation 4158632 (VCV004158632.1).

ClinVar aggregate classification (germline): Uncertain significance (1 of 4 stars; one submission).

Conditions:
Inborn genetic diseases. Identifiers: MedGen C0950123, MeSH D030342.

Submission:

Ambry Genetics
Classification: Uncertain significance for Inborn genetic diseases. Last evaluated: 2025-08-03. Review status: criteria provided, single submitter. Criteria: Ambry Variant Classification Scheme 2023. Collection method: clinical testing. Allele origin: germline.
Comment: The p.S1165N variant (also known as c.3494G>A), located in coding exon 13 of the ASXL1 gene, results from a G to A substitution at nucleotide position 3494. The serine at codon 1165 is replaced by asparagine, an amino acid with highly similar properties. This amino acid position is conserved. In addition, this alteration is predicted to be tolerated by in silico analysis. Based on the available evidence, the clinical significance of this variant remains unclear.